The following is an entry in ClinVar:

ClinVar aggregate classification (germline): Benign/Likely benign. Review status: criteria provided, multiple submitters, no conflicts (2 of 4 stars). 7 submissions from 7 submitters: Benign (4); Likely benign (1). 2 of the submissions do not count toward it. Last evaluated 2026-02-04.

Conditions:
Familial thoracic aortic aneurysm and aortic dissection (TAAD). Also called: Thoracic aortic aneurysms and dissections. Identifiers: Orphanet 91387, MedGen C4707243, MONDO:0019625.
Aortic aneurysm, familial thoracic 7 (AAT7). Also called: AORTIC DISSECTION, FAMILIAL, WITH OR WITHOUT AORTIC ANEURYSM. Identifiers: MedGen C3151077, MONDO:0013418, OMIM 613780.

Allele frequency attached by ClinVar (database versions not stated): ExAC 0.00140; ESP Exome Variant Server 0.00477; TOPMed 0.00498; 1000 Genomes Project 0.00559; 1000 Genomes Project 30x 0.00562.
gnomAD v4.1: 1,334 of 1,612,298 alleles (0.083%); highest among the groups gnomAD compares: African/African-American, 1.6%; 10 homozygotes.

Submissions (8):

Labcorp Genetics (formerly Invitae), Labcorp
Classification: Benign for Aortic aneurysm, familial thoracic 7. Last evaluated: 2026-02-04. Review status: criteria provided, single submitter. Criteria: Invitae Variant Classification Sherloc (09022015). Collection method: clinical testing. Allele origin: germline.

CHEO Genetics Diagnostic Laboratory, Children's Hospital of Eastern Ontario
Classification: Benign for Familial thoracic aortic aneurysm and aortic dissection. Last evaluated: 2022-11-17. Review status: criteria provided, single submitter. Criteria: ACMG Guidelines, 2015. Collection method: clinical testing. Allele origin: germline.

Women's Health and Genetics/Laboratory Corporation of America, LabCorp
Classification: Benign. Last evaluated: 2021-07-06. Review status: criteria provided, single submitter. Criteria: LabCorp Variant Classification Summary - May 2015. Collection method: clinical testing. Allele origin: germline.
Comment: Variant summary: MYLK c.4289-9C>G alters a non-conserved nucleotide located close to a canonical splice site and therefore could affect mRNA splicing, leading to a significantly altered protein sequence. Several computational tools predict a significant impact on normal splicing: Four predict the variant slightly weakens a 3' acceptor site. However, these predictions have yet to be confirmed by functional studies. The variant allele was found at a frequency of 0.0011 in 250912 control chromosomes, predominantly at a frequency of 0.016 within the African or African-American subpopulation in the gnomAD database, including 4 homozygotes. The observed variant frequency within African or African-American control individuals in the gnomAD database is approximately 319.99 fold of the estimated maximal expected allele frequency for a pathogenic variant in MYLK causing Thoracic Aortic Aneurysms And Dissections phenotype (5e-05), strongly suggesting that the variant is a benign polymorphism found primarily in populations of African or African-American origin. To our knowledge, no occurrence of c.4289-9C>G in individuals affected with Thoracic Aortic Aneurysms And Dissections and no experimental evidence demonstrating its impact on protein function have been reported. Three clinical diagnostic laboratories have submitted clinical-significance assessments for this variant to ClinVar after 2014 without evidence for independent evaluation. All laboratories classified the variant as benign/likely benign. Based on the evidence outlined above, the variant was classified as benign.

Illumina Laboratory Services, Illumina
Classification: Likely benign for Aortic aneurysm, familial thoracic 7. Last evaluated: 2018-01-12. Review status: criteria provided, single submitter. Criteria: ICSL Variant Classification Criteria 13 December 2019. Collection method: clinical testing. Allele origin: germline.
Comment: This variant was observed in the ICSL laboratory as part of a predisposition screen in an ostensibly healthy population. It had not been previously curated by ICSL or reported in the Human Gene Mutation Database (HGMD: prior to June 1st, 2018), and was therefore a candidate for classification through an automated scoring system. Utilizing variant allele frequency, disease prevalence and penetrance estimates, and inheritance mode, an automated score was calculated to assess if this variant is too frequent to cause the disease. Based on the score and internal cut-off values, a variant classified as likely benign is not then subjected to further curation. The score for this variant resulted in a classification of likely benign for this disease.

GeneDx
Classification: Benign. Last evaluated: 2017-03-08. Review status: criteria provided, single submitter. Criteria: GeneDx Variant Classification (06012015). Collection method: clinical testing. Allele origin: germline. Affected: yes.
Comment: This variant is considered likely benign or benign based on one or more of the following criteria: it is a conservative change, it occurs at a poorly conserved position in the protein, it is predicted to be benign by multiple in silico algorithms, and/or has population frequency not consistent with disease.

Clinical Genetics DNA and cytogenetics Diagnostics Lab, Erasmus MC, Erasmus Medical Center
Classification: Benign. Review status: no assertion criteria provided. Collection method: clinical testing. Allele origin: germline. Affected: yes. Study: VKGL Data-share Consensus. Not counted in ClinVar's aggregate classification.

Dr. Peter K. Rogan Lab, Western University
No classification provided (evidence only). Condition: Chronic lymphocytic leukemia/small lymphocytic lymphoma. Review status: no classification provided. Collection method: in vitro. Allele origin: not applicable. Functional consequence: retained intron. Not counted in ClinVar's aggregate classification.

Genome Diagnostics Laboratory, Amsterdam University Medical Center
Classification: Benign. Review status: no assertion criteria provided. Collection method: clinical testing. Allele origin: germline. Affected: yes. Study: VKGL Data-share Consensus. Not counted in ClinVar's aggregate classification.

NM_053025.4(MYLK):c.4289-9C>G

Gene: MYLK (myosin light chain kinase; minus strand). Cytogenetic location: 3q21.1.
Variant type: single nucleotide variant.
Coding change: c.4289-9C>G on transcript NM_053025.4 (MANE Select); 9 bases into the intron before coding-DNA position 4289, C replaced by G.
Molecular consequence: intron variant.
Genome position (GRCh38, 1-based): chr3:123,649,203, G>C on the plus strand (C>G on the coding strand, the complement: MYLK is on the minus strand). VCF-style: chr3-123649203-G-C. GRCh37 (hg19) VCF-style: chr3-123368050-G-C.
Other names: c.3761-9C>G (NM_001321309.2); c.4082-9C>G (NM_053028.4, NM_053026.4); c.4289-9C>G (NM_053027.4).
Identifiers: ClinVar variation 415754 (VCV000415754.20), dbSNP rs41443051, ClinGen allele CA071306.